The following is an entry in ClinVar:

ClinVar aggregate classification (germline): Uncertain significance (1 of 4 stars; one submission).

Conditions:
Autosomal recessive limb-girdle muscular dystrophy type 2P. Also called: Limb-Girdle Muscular Dystrophy Type 9C; MUSCULAR DYSTROPHY, LIMB-GIRDLE, TYPE 2P; MUSCULAR DYSTROPHY-DYSTROGLYCANOPATHY, LIMB-GIRDLE, DAG1-RELATED. Identifiers: Orphanet 280333, MedGen C4511963, MONDO:0013440, OMIM 613818.
Muscular dystrophy-dystroglycanopathy (congenital with brain and eye anomalies), type A9. Also called: WALKER-WARBURG SYNDROME OR MUSCLE-EYE BRAIN DISEASE, DAG1-RELATED; Muscular dystrophy-dystroglycanopathy (congenital with brain and eye anomalies), type a, 9. Identifiers: Orphanet 370997, Orphanet 899, MedGen C4225291, MONDO:0014683, OMIM 616538.

Allele frequency attached by ClinVar (database versions not stated): gnomAD exomes below 0.00001.
gnomAD v4.1: 2 of 1,614,214 alleles (0.00012%); highest among the groups gnomAD compares: Non-Finnish European, 0.00017%; no homozygotes.

Submission:

Labcorp Genetics (formerly Invitae), Labcorp
Classification: Uncertain significance for Autosomal recessive limb-girdle muscular dystrophy type 2P; Muscular dystrophy-dystroglycanopathy (congenital with brain and eye anomalies), type A9. Last evaluated: 2022-07-05. Review status: criteria provided, single submitter. Criteria: Invitae Variant Classification Sherloc (09022015). Collection method: clinical testing. Allele origin: germline.
Comment: In summary, the available evidence is currently insufficient to determine the role of this variant in disease. Therefore, it has been classified as a Variant of Uncertain Significance. Algorithms developed to predict the effect of missense changes on protein structure and function are either unavailable or do not agree on the potential impact of this missense change (SIFT: "Deleterious"; PolyPhen-2: "Probably Damaging"; Align-GVGD: "Class C0"). ClinVar contains an entry for this variant (Variation ID: 1347606). This variant has not been reported in the literature in individuals affected with DAG1-related conditions. This variant is not present in population databases (gnomAD no frequency). This sequence change replaces valine, which is neutral and non-polar, with leucine, which is neutral and non-polar, at codon 657 of the DAG1 protein (p.Val657Leu).

NM_004393.6(DAG1):c.1969G>C (p.Val657Leu)

Gene: DAG1 (dystroglycan 1; plus strand). Cytogenetic location: 3p21.31.
Variant type: single nucleotide variant.
Coding change: c.1969G>C on transcript NM_004393.6 (MANE Select); coding-DNA position 1969, G replaced by C.
Protein change: p.Val657Leu; replaces valine 657 with leucine.
Molecular consequence: missense variant.
Genome position (GRCh38, 1-based): chr3:49,532,480, G>C. VCF-style: chr3-49532480-G-C. GRCh37 (hg19) VCF-style: chr3-49569913-G-C.
Other names: c.1969G>C, p.Val657Leu (NM_001165928.4, NM_001177634.3, NM_001177635.3 and 9 more transcripts); short protein forms V657L.
Identifiers: ClinVar variation 1347606 (VCV001347606.6), dbSNP rs2107947164, ClinGen allele CA352796532.